The following is an entry in ClinVar:

ClinVar aggregate classification (germline): Uncertain significance (1 of 4 stars; one submission).

Conditions:
Hereditary cancer-predisposing syndrome. Also called: Neoplastic Syndromes, Hereditary; Tumor predisposition; Hereditary Cancer Syndrome; Hereditary neoplastic syndrome. Identifiers: Orphanet 140162, MedGen C0027672, MeSH D009386, MONDO:0015356.

Submission:

Ambry Genetics
Classification: Uncertain significance for Hereditary cancer-predisposing syndrome. Last evaluated: 2025-12-22. Review status: criteria provided, single submitter. Criteria: Ambry Variant Classification Scheme 2023. Collection method: clinical testing. Allele origin: germline.
Comment: The p.A2054V variant (also known as c.6161C>T), located in coding exon 10 of the BRCA2 gene, results from a C to T substitution at nucleotide position 6161. The alanine at codon 2054 is replaced by valine, an amino acid with similar properties. This amino acid position is conserved. In addition, this alteration is predicted to be tolerated by in silico analysis. Based on the available evidence, the clinical significance of this variant remains unclear.

NM_000059.4(BRCA2):c.6161C>T (p.Ala2054Val)

Gene: BRCA2 (BRCA2 DNA repair associated; plus strand). Cytogenetic location: 13q13.1.
Variant type: single nucleotide variant.
Coding change: c.6161C>T on transcript NM_000059.4 (MANE Select); coding-DNA position 6161, C replaced by T.
Protein change: p.Ala2054Val; replaces alanine 2054 with valine.
Molecular consequence: missense variant. On other transcripts: non-coding transcript variant (1), intron variant (2).
Genome position (GRCh38, 1-based): chr13:32,340,516, C>T. VCF-style: chr13-32340516-C-T. GRCh37 (hg19) VCF-style: chr13-32914653-C-T.
Other names: c.6161C>T, p.Ala2054Val (NM_001406719.1, NM_001406720.1, NM_001432077.1); c.1910-4042C>T (NM_001406721.1); c.425-4042C>T (NM_001406722.1); short protein forms A2054V.
Identifiers: ClinVar variation 4830995 (VCV004830995.1).
Genomic context (GRCh38, chr13:32,340,516, plus strand): 5'-GTACTCCAGAACATTTAATATCCCAAAAAGGCTTTTCATATAATGTGGTAAATTCATCTG[C>T]TTTCTCTGGATTTAGTACAGCAAGTGGAAAGCAAGTTTCCATTTTAGAAAGTTCCTTACA-3'
Protein context (NP_000050.3, residues 2044-2064): GFSYNVVNSS[Ala2054Val]FSGFSTASGK